The following is an entry in ClinVar:

ClinVar aggregate classification (germline): Uncertain significance. Review status: criteria provided, multiple submitters, no conflicts (2 of 4 stars). 2 submissions from 2 submitters: Uncertain significance (2). Last evaluated 2023-11-12.

Conditions:
Hermansky-Pudlak syndrome 1 (HPS1). Also called: DELTA STORAGE POOL DISEASE. Identifiers: Orphanet 231500, Orphanet 79430, MedGen C2931875, MONDO:0008748, OMIM 203300.

Allele frequency attached by ClinVar (database versions not stated): gnomAD exomes below 0.00001; ExAC 0.00001; gnomAD 0.00001; TOPMed 0.00001.
gnomAD v4.1: 6 of 1,612,608 alleles (0.00037%); highest among the groups gnomAD compares: Non-Finnish European, 0.00051%; no homozygotes.

Submissions (2):

Labcorp Genetics (formerly Invitae), Labcorp
Classification: Uncertain significance. Last evaluated: 2023-11-12. Review status: criteria provided, single submitter. Criteria: Invitae Variant Classification Sherloc (09022015). Collection method: clinical testing. Allele origin: germline.
Comment: This sequence change replaces glutamine, which is neutral and polar, with histidine, which is basic and polar, at codon 686 of the HPS1 protein (p.Gln686His). This variant is present in population databases (rs780183454, gnomAD 0.0009%). This variant has not been reported in the literature in individuals affected with HPS1-related conditions. ClinVar contains an entry for this variant (Variation ID: 298335). Advanced modeling of protein sequence and biophysical properties (such as structural, functional, and spatial information, amino acid conservation, physicochemical variation, residue mobility, and thermodynamic stability) performed at Invitae indicates that this missense variant is not expected to disrupt HPS1 protein function with a negative predictive value of 80%. In summary, the available evidence is currently insufficient to determine the role of this variant in disease. Therefore, it has been classified as a Variant of Uncertain Significance.

Illumina Laboratory Services, Illumina
Classification: Uncertain significance for Hermansky-Pudlak syndrome 1. Last evaluated: 2018-01-13. Review status: criteria provided, single submitter. Criteria: ICSL Variant Classification Criteria 13 December 2019. Collection method: clinical testing. Allele origin: germline.

NM_000195.5(HPS1):c.2058G>C (p.Gln686His)

Gene: HPS1 (HPS1 biogenesis of lysosomal organelles complex 3 subunit 1; minus strand). Cytogenetic location: 10q24.2.
Variant type: single nucleotide variant.
Coding change: c.2058G>C on transcript NM_000195.5 (MANE Select); coding-DNA position 2058, G replaced by C.
Protein change: p.Gln686His; replaces glutamine 686 with histidine.
Molecular consequence: missense variant.
Genome position (GRCh38, 1-based): chr10:98,417,609, C>G on the plus strand (G>C on the coding strand, the complement: HPS1 is on the minus strand). VCF-style: chr10-98417609-C-G. GRCh37 (hg19) VCF-style: chr10-100177366-C-G.
Other names: c.1698G>C, p.Gln566His (NM_001322482.2); c.1689G>C, p.Gln563His (NM_001322483.2, NM_001322484.2); c.1590G>C, p.Gln530His (NM_001322485.2); c.1086G>C, p.Gln362His (NM_001311345.2, NM_001322487.2, NM_001322489.2); c.2058G>C, p.Gln686His (NM_001322476.2, NM_001322477.2); c.1959G>C, p.Gln653His (NM_001322478.2, NM_001322479.2); c.1797G>C, p.Gln599His (NM_001322480.2, NM_001322481.2); short protein forms Q686H, Q362H, Q653H, Q530H, Q566H, Q563H, Q599H.
Identifiers: ClinVar variation 298335 (VCV000298335.8), dbSNP rs780183454, ClinGen allele CA5638795.